The following is an entry in ClinVar:

NM_007332.3(TRPA1):c.1405A>G (p.Ile469Val)

Genes: MSC-AS1 (MSC antisense RNA 1; plus strand), TRPA1 (transient receptor potential cation channel subfamily A member 1; minus strand). Cytogenetic location: 8q21.11.
Variant type: single nucleotide variant.
Coding change: c.1405A>G on transcript NM_007332.3 (MANE Select); coding-DNA position 1405, A replaced by G.
Protein change: p.Ile469Val; replaces isoleucine 469 with valine.
Molecular consequence: missense variant. On other transcripts: non-coding transcript variant (2).
Genome position (GRCh38, 1-based): chr8:72,055,560, T>C on the plus strand (A>G on the coding strand, the complement: TRPA1 is on the minus strand). VCF-style: chr8-72055560-T-C. GRCh37 (hg19) VCF-style: chr8-72967795-T-C.
Other names: NC_000008.10:g.72967795T>C; short protein forms I469V.
Identifiers: ClinVar variation 2395348 (VCV002395348.27), dbSNP rs61758118, ClinGen allele CA4780911.

ClinVar aggregate classification (germline): Conflicting classifications of pathogenicity. Review status: criteria provided, conflicting classifications (1 of 4 stars). 3 submissions from 3 submitters: Uncertain significance (1); Likely benign (2). Last evaluated 2026-09-01.

Allele frequency attached by ClinVar (database versions not stated): ExAC 0.00104; gnomAD 0.00127; gnomAD exomes 0.00141; ESP Exome Variant Server 0.00177; 1000 Genomes Project 30x 0.00031; 1000 Genomes Project 0.00040.

Submissions (4):

CeGaT Center for Human Genetics Tuebingen
Classification: Likely benign. Last evaluated: 2026-09-01. Review status: criteria provided, single submitter. Criteria: CeGaT Center For Human Genetics Tuebingen Variant Classification Criteria Version 2. Collection method: clinical testing. Allele origin: germline. Affected: yes. Observed: 7 variant alleles.
Comment: TRPA1: BP4, BS1

Women's Health and Genetics/Laboratory Corporation of America, LabCorp
Classification: Likely benign. Last evaluated: 2025-09-08. Review status: criteria provided, single submitter. Criteria: LabCorp Variant Classification Summary - May 2015. Collection method: clinical testing. Allele origin: germline.

Ambry Genetics
Classification: Uncertain significance. Last evaluated: 2021-08-17. Review status: criteria provided, single submitter. Criteria: Ambry Variant Classification Scheme 2023. Collection method: clinical testing. Allele origin: germline.

Dr. Peter K. Rogan Lab, Western University
No classification provided (evidence only). Condition: Gastric cancer. Review status: no classification provided. Collection method: in vitro. Allele origin: not applicable. Functional consequence: retained intron. Not counted in ClinVar's aggregate classification.